The following is an entry in ClinVar:

ClinVar aggregate classification (germline): Uncertain significance. Review status: criteria provided, single submitter (1 of 4 stars). 2 submissions from 2 submitters: Uncertain significance (1). 1 of the submissions does not count toward it. Last evaluated 2023-02-15.

Conditions:
PLXNA2-related disorder. Also called: PLXNA2-related condition.

Allele frequency attached by ClinVar (database versions not stated): ESP Exome Variant Server 0.00008.
gnomAD v4.1: 21 of 1,613,534 alleles (0.0013%); highest among the groups gnomAD compares: African/African-American, 0.0027%; no homozygotes.

Submissions (2):

Ambry Genetics
Classification: Uncertain significance. Last evaluated: 2023-02-15. Review status: criteria provided, single submitter. Criteria: Ambry Variant Classification Scheme 2023. Collection method: clinical testing. Allele origin: germline.

PreventionGenetics, part of Exact Sciences
Classification: Uncertain significance for PLXNA2-related condition. Last evaluated: 2024-07-22. Review status: no assertion criteria provided. Collection method: clinical testing. Allele origin: germline. Not counted in ClinVar's aggregate classification.
Comment: The PLXNA2 c.1965C>G variant is predicted to result in the amino acid substitution p.Asn655Lys. To our knowledge, this variant has not been reported in the literature. This variant is reported in 0.0040% of alleles in individuals of African descent in gnomAD. At this time, the clinical significance of this variant is uncertain due to the absence of conclusive functional and genetic evidence.

NM_025179.4(PLXNA2):c.1965C>G (p.Asn655Lys)

Gene: PLXNA2 (plexin A2; minus strand). Cytogenetic location: 1q32.2.
Variant type: single nucleotide variant.
Coding change: c.1965C>G on transcript NM_025179.4 (MANE Select); coding-DNA position 1965, C replaced by G.
Protein change: p.Asn655Lys; replaces asparagine 655 with lysine.
Molecular consequence: missense variant.
Genome position (GRCh38, 1-based): chr1:208,096,046, G>C on the plus strand (C>G on the coding strand, the complement: PLXNA2 is on the minus strand). VCF-style: chr1-208096046-G-C. GRCh37 (hg19) VCF-style: chr1-208269391-G-C.
Other names: short protein forms N655K.
Identifiers: ClinVar variation 2483999 (VCV002483999.3), dbSNP rs377747282, ClinGen allele CA1373668.
Genomic context (GRCh38, chr1:208,096,046, plus strand): 5'-CACATCCAGACCCAGAGCAAGACCCTTTCTAATAAGCACTTACAGTTGGTGGGCACTGCA[G>C]TTGTAAAACTTGAACTCGGTGCTGACAAATATCTTCCCTGTCTCCTTGGACCTCAGCTGT-3'
Protein context (NP_079455.3, residues 645-665): IFVSTEFKFY[Asn655Lys]CSAHQLCLSC